The following is an entry in ClinVar:

ClinVar aggregate classification (germline): Likely pathogenic (1 of 4 stars; one submission).

Submission:

Labcorp Genetics (formerly Invitae), Labcorp
Classification: Likely pathogenic. Last evaluated: 2023-04-09. Review status: criteria provided, single submitter. Criteria: Invitae Variant Classification Sherloc (09022015). Collection method: clinical testing. Allele origin: germline.
Comment: In summary, the currently available evidence indicates that the variant is pathogenic, but additional data are needed to prove that conclusively. Therefore, this variant has been classified as Likely Pathogenic. Algorithms developed to predict the effect of sequence changes on RNA splicing suggest that this variant may disrupt the consensus splice site. This variant has not been reported in the literature in individuals affected with TBXAS1-related conditions. This variant is not present in population databases (gnomAD no frequency). This sequence change affects a donor splice site in intron 7 of the TBXAS1 gene. It is expected to disrupt RNA splicing. Variants that disrupt the donor or acceptor splice site typically lead to a loss of protein function (PMID: 16199547), and loss-of-function variants in TBXAS1 are known to be pathogenic (PMID: 22735388).

Literature cited by the submitters: PubMed 16199547; PubMed 22735388.

NM_001061.7(TBXAS1):c.688+2T>G

Gene: TBXAS1 (thromboxane A synthase 1; plus strand). Cytogenetic location: 7q34.
Variant type: single nucleotide variant.
Coding change: c.688+2T>G on transcript NM_001061.7 (MANE Select); the canonical splice donor site of the intron after coding-DNA position 688, T replaced by G.
Molecular consequence: splice donor variant.
Genome position (GRCh38, 1-based): chr7:139,955,609, T>G. VCF-style: chr7-139955609-T-G. GRCh37 (hg19) VCF-style: chr7-139655408-T-G.
Other names: c.688+2T>G (NM_001130966.5, NM_030984.6); c.487+2T>G (NM_001166254.4); c.631+2T>G (NM_001314028.4); c.826+2T>G (NM_001166253.4); c.505+2T>G (NM_001366537.3).
Identifiers: ClinVar variation 2990227 (VCV002990227.3), dbSNP rs2535758512, ClinGen allele CA369582405.